The following is an entry in ClinVar:

NM_145290.4(ADGRA3):c.2069T>C (p.Leu690Pro)

Gene: ADGRA3 (adhesion G protein-coupled receptor A3; minus strand). Cytogenetic location: 4p15.2.
Variant type: single nucleotide variant.
Coding change: c.2069T>C on transcript NM_145290.4 (MANE Select); coding-DNA position 2069, T replaced by C.
Protein change: p.Leu690Pro; replaces leucine 690 with proline.
Molecular consequence: missense variant.
Genome position (GRCh38, 1-based): chr4:22,413,345, A>G on the plus strand (T>C on the coding strand, the complement: ADGRA3 is on the minus strand). VCF-style: chr4-22413345-A-G. GRCh37 (hg19) VCF-style: chr4-22414968-A-G.
Other names: short protein forms L690P.
Identifiers: ClinVar variation 1011045 (VCV001011045.6), dbSNP rs775106705, ClinGen allele CA2873746.

ClinVar aggregate classification (germline): Uncertain significance (1 of 4 stars; one submission).

Allele frequency attached by ClinVar (database versions not stated): ExAC 0.00001; gnomAD 0.00001 and 0.00002; gnomAD exomes 0.00001 and 0.00003; TOPMed 0.00002.
gnomAD v4.1: 40 of 1,614,000 alleles (0.0025%); highest among the groups gnomAD compares: Non-Finnish European, 0.0033%; no homozygotes.

Submission:

Labcorp Genetics (formerly Invitae), Labcorp
Classification: Uncertain significance. Last evaluated: 2023-08-08. Review status: criteria provided, single submitter. Criteria: Invitae Variant Classification Sherloc (09022015). Collection method: clinical testing. Allele origin: germline.
Comment: This variant has not been reported in the literature in individuals affected with ADGRA3-related conditions. This sequence change replaces leucine, which is neutral and non-polar, with proline, which is neutral and non-polar, at codon 690 of the ADGRA3 protein (p.Leu690Pro). This variant is present in population databases (rs775106705, gnomAD 0.002%). ClinVar contains an entry for this variant (Variation ID: 1011045). An algorithm developed to predict the effect of missense changes on protein structure and function (PolyPhen-2) suggests that this variant is likely to be disruptive. In summary, the available evidence is currently insufficient to determine the role of this variant in disease. Therefore, it has been classified as a Variant of Uncertain Significance.